The following is an entry in ClinVar:

NM_001211.6(BUB1B):c.2156A>G (p.Gln719Arg)

Gene: BUB1B (BUB1 mitotic checkpoint serine/threonine kinase B; plus strand). Cytogenetic location: 15q15.1.
Variant type: single nucleotide variant.
Coding change: c.2156A>G on transcript NM_001211.6 (MANE Select); coding-DNA position 2156, A replaced by G.
Protein change: p.Gln719Arg; replaces glutamine 719 with arginine.
Molecular consequence: missense variant.
Genome position (GRCh38, 1-based): chr15:40,209,647, A>G. VCF-style: chr15-40209647-A-G. GRCh37 (hg19) VCF-style: chr15-40501848-A-G.
Other names: short protein forms Q719R.
Identifiers: ClinVar variation 5033502 (VCV005033502.1).

ClinVar aggregate classification (germline): Uncertain significance (1 of 4 stars; one submission).

Conditions:
Inborn genetic diseases. Identifiers: MedGen C0950123, MeSH D030342.

gnomAD v4.1: 2 of 1,614,136 alleles (0.00012%); highest among the groups gnomAD compares: Non-Finnish European, 0.00017%; no homozygotes.

Submission:

Ambry Genetics
Classification: Uncertain significance for Inborn genetic diseases. Last evaluated: 2026-06-16. Review status: criteria provided, single submitter. Criteria: Ambry Variant Classification Scheme 2023. Collection method: clinical testing. Allele origin: germline.
Comment: The p.Q719R variant (also known as c.2156A>G), located in coding exon 17 of the BUB1B gene, results from an A to G substitution at nucleotide position 2156. The glutamine at codon 719 is replaced by arginine, an amino acid with highly similar properties. This amino acid position is conserved. In addition, this alteration is predicted to be tolerated by in silico analysis. Based on the available evidence, the clinical significance of this variant remains unclear.